The following is an entry in ClinVar:

ClinVar aggregate classification (germline): Likely pathogenic (1 of 4 stars; one submission).

Submission:

GeneDx
Classification: Likely pathogenic. Last evaluated: 2013-10-08. Review status: criteria provided, single submitter. Criteria: GeneDx Variant Classification (06012015). Collection method: clinical testing. Allele origin: germline. Affected: yes.
Comment: p.Ser148Arg (AGC>CGC): c.442 A>C in exon 5 of the MYH7 gene (NM_000257.2). The Ser148Arg variant in the MYH7 gene has not been reported as a disease-causing mutation or as a benign polymorphism to our knowledge. Ser148Arg was not observed in approximately 6500 individuals of European and African American ancestry in the NHLBI Exome Sequencing Project, indicating it is not a common benign variant in these populations. Ser148Arg results in a semi-conservative amino acid substitution of a polar, neutral Serine with a polar, negatively charged Arginine at a position that is class conserved across species. In silico analysis predicts Ser148Arg is damaging to the protein structure/function. Mutations in the same residue (Ser148Ile) and in nearby residues (Lys146Asn, Tyr162Cys, Tyr162His) have been reported in association with cardiomyopathy, further supporting the functional importance of this region of the protein. In summary, Ser148Arg is a good candidate for a disease-causing mutation. The variant is found in DCM-CRDM panel(s).

NM_000257.4(MYH7):c.442A>C (p.Ser148Arg)

Gene: MYH7 (myosin heavy chain 7; minus strand). Cytogenetic location: 14q11.2.
Variant type: single nucleotide variant.
Coding change: c.442A>C on transcript NM_000257.4 (MANE Select); coding-DNA position 442, A replaced by C.
Protein change: p.Ser148Arg; replaces serine 148 with arginine.
Molecular consequence: missense variant.
Genome position (GRCh38, 1-based): chr14:23,432,699, T>G on the plus strand (A>C on the coding strand, the complement: MYH7 is on the minus strand). VCF-style: chr14-23432699-T-G. GRCh37 (hg19) VCF-style: chr14-23901908-T-G.
Other names: p.S148R:AGC>CGC; c.442A>C (LRG_384t1); short protein forms S148R.
Identifiers: ClinVar variation 181304 (VCV000181304.1), dbSNP rs730880836, ClinGen allele CA014971.
Genomic context (GRCh38, chr14:23,432,699, plus strand): 5'-CTGTCAGCATGTACTGATAGGCGTTGTCGGAGATGGAGAAGATGTGGGGCGGGGCCTCGC[T>G]CCTCTTCTTGCCCCGGTAGGCAGCCACCACCTCAGGAGTGTACACCGGCAGCCACTTGTA-3'
Protein context (NP_000248.2, residues 138-158): VVAAYRGKKR[Ser148Arg]EAPPHIFSIS